The following is an entry in ClinVar:

NM_001365480.1(CCDC88A):c.5341A>G (p.Ile1781Val)

Gene: CCDC88A (coiled-coil domain containing 88A; minus strand). Cytogenetic location: 2p16.1.
Variant type: single nucleotide variant.
Coding change: c.5341A>G on transcript NM_001365480.1 (MANE Select); coding-DNA position 5341, A replaced by G.
Protein change: p.Ile1781Val; replaces isoleucine 1781 with valine.
Molecular consequence: missense variant. On other transcripts: intron variant (1).
Genome position (GRCh38, 1-based): chr2:55,295,807, T>C on the plus strand (A>G on the coding strand, the complement: CCDC88A is on the minus strand). VCF-style: chr2-55295807-T-C. GRCh37 (hg19) VCF-style: chr2-55522943-T-C.
Other names: c.5338A>G, p.Ile1780Val (NM_001135597.2); c.5257A>G, p.Ile1753Val (NM_018084.5); c.5196-80A>G (NM_001254943.2); short protein forms I1753V, I1780V, I1781V.
Identifiers: ClinVar variation 1466577 (VCV001466577.5), dbSNP rs1188719613, ClinGen allele CA346911697.
Genomic context (GRCh38, chr2:55,295,807, plus strand): 5'-TTGCATAAGGGTTACTATCTTTTGATTGTCGTGACAGAGAAGATTCTTTTACTAATTTTA[T>C]TTTTCCTTGAGTGCCTGGTGTAGGTTTTCCCGCAGAACTAATGAAGTAGGTATCTTCAGT-3'
Protein context (NP_001352409.1, residues 1771-1791): GKPTPGTQGK[Ile1781Val]KLVKESSLSR

ClinVar aggregate classification (germline): Uncertain significance (1 of 4 stars; one submission).

Submission:

Labcorp Genetics (formerly Invitae), Labcorp
Classification: Uncertain significance. Last evaluated: 2023-05-15. Review status: criteria provided, single submitter. Criteria: Invitae Variant Classification Sherloc (09022015). Collection method: clinical testing. Allele origin: germline.
Comment: ClinVar contains an entry for this variant (Variation ID: 1466577). In summary, the available evidence is currently insufficient to determine the role of this variant in disease. Therefore, it has been classified as a Variant of Uncertain Significance. Algorithms developed to predict the effect of missense changes on protein structure and function output the following: SIFT: "Not Available"; PolyPhen-2: "Benign"; Align-GVGD: "Not Available". The valine amino acid residue is found in multiple mammalian species, which suggests that this missense change does not adversely affect protein function. This variant has not been reported in the literature in individuals affected with CCDC88A-related conditions. This variant is present in population databases (no rsID available, gnomAD 0.003%). This sequence change replaces isoleucine, which is neutral and non-polar, with valine, which is neutral and non-polar, at codon 1780 of the CCDC88A protein (p.Ile1780Val).